The following is an entry in ClinVar:

ClinVar aggregate classification (germline): Pathogenic (1 of 4 stars; one submission).

Submission:

Labcorp Genetics (formerly Invitae), Labcorp
Classification: Pathogenic. Last evaluated: 2019-10-23. Review status: criteria provided, single submitter. Criteria: Invitae Variant Classification Sherloc (09022015). Collection method: clinical testing. Allele origin: germline.
Comment: This variant disrupts the C-terminus of the CYP17A1 protein. Other variant(s) that disrupt this region (p.Pro480Hisfs*27) have been determined to be pathogenic (PMID: 1577471, 2786493). This suggests that variants that disrupt this region of the protein are likely to be causative of disease. Algorithms developed to predict the effect of sequence changes on RNA splicing suggest that this variant may create or strengthen a splice site, but this prediction has not been confirmed by published transcriptional studies. This variant has not been reported in the literature in individuals with CYP17A1-related conditions. This variant is not present in population databases (ExAC no frequency). This sequence change results in a premature translational stop signal in the CYP17A1 gene (p.Asn335Lysfs*84). While this is not anticipated to result in nonsense mediated decay, it is expected to disrupt the last 174 amino acids of the CYP17A1 protein. For these reasons, this variant has been classified as Pathogenic.

Literature cited by the submitters: PubMed 1577471; PubMed 2786493.

NM_000102.4(CYP17A1):c.1005del (p.Asn335fs)

Gene: CYP17A1 (cytochrome P450 family 17 subfamily A member 1; minus strand). Cytogenetic location: 10q24.32.
Variant type: Deletion.
Coding change: c.1005del on transcript NM_000102.4 (MANE Select); coding-DNA position 1005, one base deleted (T; older notation c.1005delT).
Protein change: p.Asn335fs; shifts the reading frame from asparagine 335.
Molecular consequence: frameshift variant.
Genome position (GRCh38, 1-based): chr10:102,832,645, A deleted on the plus strand (T on the coding strand, the reverse complement: CYP17A1 is on the minus strand). VCF-style (leftmost placement, unchanged base first): chr10-102832644-CA-C. GRCh37 (hg19) VCF-style: chr10-104592401-CA-C.
Other names: short protein forms N335fs.
Identifiers: ClinVar variation 967298 (VCV000967298.9), dbSNP rs1844105442, ClinGen allele CA1139661683.
Genomic context (GRCh38, chr10:102,832,644, plus strand): 5'-TGGCCTCCAGCAGGAGGAGACGGTTACGGTCACTGATAGTTGGTGTGCGGCTGAAACCCA[CA>C]TTCTGGTCAATCTCCTCGTAGAGCTTCTTCTTCACCTGAAGACCAGAGTAGGTTGGAGGT-3'